The following is an entry in ClinVar:

NM_001356.5(DDX3X):c.922C>T (p.Gln308Ter)

Gene: DDX3X (DEAD-box helicase 3 X-linked; plus strand). Cytogenetic location: Xp11.4.
Variant type: single nucleotide variant.
Coding change: c.922C>T on transcript NM_001356.5 (MANE Select); coding-DNA position 922, C replaced by T.
Protein change: p.Gln308Ter; replaces glutamine 308 with a stop codon.
Molecular consequence: nonsense. On other transcripts: non-coding transcript variant (1).
Genome position (GRCh38, 1-based): chrX:41,344,296, C>T. VCF-style: chrX-41344296-C-T. GRCh37 (hg19) VCF-style: chrX-41203549-C-T.
Other names: c.922C>T, p.Gln308Ter (NM_001193416.3); c.874C>T, p.Gln292Ter (NM_001193417.3); c.364C>T, p.Gln122Ter (NM_001363819.1); c.922C>T (NM_001356.3); short protein forms Q122*, Q292*, Q308*.
Identifiers: ClinVar variation 3341045 (VCV003341045.3).

ClinVar aggregate classification (germline): Pathogenic. Review status: criteria provided, multiple submitters, no conflicts (2 of 4 stars). 3 submissions from 3 submitters: Pathogenic (3). Last evaluated 2025-04-17.

Conditions:
Inborn genetic diseases. Identifiers: MedGen C0950123, MeSH D030342.
Intellectual disability, X-linked 102 (MRXSSB). Also called: Intellectual developmental disorder, X-linked syndromic, Snijders Blok type. Identifiers: Orphanet 457260, MedGen C5393299, MONDO:0010497, OMIM 300958.

Submissions (3):

Ambry Genetics
Classification: Pathogenic for Inborn genetic diseases. Last evaluated: 2025-04-17. Review status: criteria provided, single submitter. Criteria: Ambry Variant Classification Scheme 2023. Collection method: clinical testing. Allele origin: germline.
Comment: The c.922C>T (p.Q308*) alteration, located in exon 10 (coding exon 10) of the DDX3X gene, consists of a C to T substitution at nucleotide position 922. This changes the amino acid from a glutamine (Q) to a stop codon at amino acid position 308. This alteration is expected to result in loss of function by premature protein truncation or nonsense-mediated mRNA decay. This variant was not reported in population-based cohorts in the Genome Aggregation Database (gnomAD). This variant was determined to be de novo in at least one individual with features consistent with DDX3X-related neurodevelopmental disorder (Tang, 2021). Based on the available evidence, this alteration is classified as pathogenic.

Division of Genetic & Genomic Pathology, Hong Kong Children's Hospital
Classification: Pathogenic for Intellectual disability, X-linked 102. Last evaluated: 2024-06-11. Review status: criteria provided, single submitter. Criteria: ACMG Guidelines, 2015. Collection method: clinical testing. Allele origin: germline. Affected: yes.
Comment: The DDX3X c.922C>T p.(Gln308Ter) nonsense variant is located in exon 10 (out of 17 exons) at the helicase ATP-binding domain of the gene. It is predicted to cause loss of normal protein function either by protein truncation or nonsense-mediated mRNA decay, and DDX3X is curated as a gene with sufficient evidence for haploinsufficiency in ClinGen. This variant is absent in population databases (gnomAD v2.1.1 and gnomAD v4.1.0). It has been reported de novo in a patient with DDX3X-related neurodevelopmental disorder (PMID: 33993884). For these reasons, this variant is classified as pathogenic.

GeneDx
Classification: Pathogenic. Last evaluated: 2024-01-03. Review status: criteria provided, single submitter. Criteria: GeneDx Variant Classification Process June 2021. Collection method: clinical testing. Allele origin: germline. Affected: yes.
Comment: Nonsense variant predicted to result in protein truncation or nonsense mediated decay in a gene for which loss of function is a known mechanism of disease; Not observed at significant frequency in large population cohorts (gnomAD); This variant is associated with the following publications: (PMID: 33993884)

Literature cited by the submitters: PubMed 33993884 (cited by Ambry Genetics and Division of Genetic & Genomic Pathology, Hong Kong Children's Hospital).